The following is an entry in ClinVar:

ClinVar aggregate classification (germline): Likely benign (1 of 4 stars; one submission).

Conditions:
Atypical hemolytic-uremic syndrome. Identifiers: Orphanet 2134, MedGen C2931788, MONDO:0016244.

gnomAD v4.1: 1 of 882,784 alleles (0.00011%); highest among the groups gnomAD compares: South Asian, 0.0015%; no homozygotes.

Submission:

Genomenon, Inc
Classification: Likely benign for Atypical hemolytic-uremic syndrome. Last evaluated: 2026-09-17. Review status: criteria provided, single submitter. Criteria: Genomenon Sequence Variant Interpretation Standards - Updated. Collection method: curation. Allele origin: germline. Affected: yes.
Comment: CD46 c.989-68T>C is an intronic variant located in intron 9. This variant has been observed in at least one proband affected with atypical hemolytic-uremic syndrome (PMID:23475501). It is absent or not present at a significant frequency in gnomAD. This variant is not predicted to impact splicing. In conclusion, we classify CD46 c.989-68T>C as a likely benign variant.

Literature cited by the submitters: PubMed 23475501.

NM_172351.3(CD46):c.944-68T>C

Gene: CD46 (CD46 molecule; plus strand). Cytogenetic location: 1q32.2.
Variant type: single nucleotide variant.
Coding change: c.944-68T>C on transcript NM_172351.3 (MANE Select); 68 bases into the intron before coding-DNA position 944, T replaced by C.
Molecular consequence: intron variant.
Genome position (GRCh38, 1-based): chr1:207,783,224, T>C. VCF-style: chr1-207783224-T-C. GRCh37 (hg19) VCF-style: chr1-207956569-T-C.
Other names: c.989-68T>C (NM_002389.4, NM_172359.3); c.944-68T>C (NM_153826.4, NM_172358.3); c.902-68T>C (NM_172355.3, NM_172356.3); c.899-68T>C (NM_172352.3, NM_172353.3, NM_172350.3); c.857-68T>C (NM_172357.3, NM_172361.3).
Identifiers: ClinVar variation 4291226 (VCV004291226.2).
Genomic context (GRCh38, chr1:207,783,224, plus strand): 5'-ATTATATTTTAAGGGATTTTCTACAAAGGTGAAAAAAAATCACCCTATGAGTTTAAAGGA[T>C]TTTAAGCTTTATATTTAATTCTTTCCTTCTTTTATTAATTTAATCTATATTTCTTCTTTT-3'